The following is an entry in ClinVar:

NM_032578.4(MYPN):c.247A>T (p.Ile83Phe)

Gene: MYPN (myopalladin; plus strand). Cytogenetic location: 10q21.3.
Variant type: single nucleotide variant.
Coding change: c.247A>T on transcript NM_032578.4 (MANE Select); coding-DNA position 247, A replaced by T.
Protein change: p.Ile83Phe; replaces isoleucine 83 with phenylalanine.
Molecular consequence: missense variant. On other transcripts: 5 prime UTR variant (1), non-coding transcript variant (1).
Genome position (GRCh38, 1-based): chr10:68,121,685, A>T. VCF-style: chr10-68121685-A-T. GRCh37 (hg19) VCF-style: chr10-69881442-A-T.
Other names: c.247A>T, p.Ile83Phe (NM_001256267.2); c.-876A>T (NM_001256268.2); short protein forms I83F.
Identifiers: ClinVar variation 3402120 (VCV003402120.1).

ClinVar aggregate classification (germline): Uncertain significance (1 of 4 stars; one submission).

Conditions:
Cardiovascular phenotype. Identifiers: MedGen CN230736.

gnomAD v4.1: 19 of 1,614,218 alleles (0.0012%); highest among the groups gnomAD compares: Non-Finnish European, 0.0015%; no homozygotes.

Submission:

Ambry Genetics
Classification: Uncertain significance for Cardiovascular phenotype. Last evaluated: 2024-11-23. Review status: criteria provided, single submitter. Criteria: Ambry Variant Classification Scheme 2023. Collection method: clinical testing. Allele origin: germline.
Comment: The p.I83F variant (also known as c.247A>T), located in coding exon 1 of the MYPN gene, results from an A to T substitution at nucleotide position 247. The isoleucine at codon 83 is replaced by phenylalanine, an amino acid with highly similar properties. This amino acid position is conserved. In addition, this alteration is predicted to be tolerated by in silico analysis. Based on the available evidence, the clinical significance of this variant remains unclear.